The following is an entry in ClinVar:

NM_014915.3(ANKRD26):c.4363G>C (p.Glu1455Gln)

Gene: ANKRD26 (ankyrin repeat domain containing 26; minus strand). Cytogenetic location: 10p12.1.
Variant type: single nucleotide variant.
Coding change: c.4363G>C on transcript NM_014915.3 (MANE Select); coding-DNA position 4363, G replaced by C.
Protein change: p.Glu1455Gln; replaces glutamic acid 1455 with glutamine.
Molecular consequence: missense variant.
Genome position (GRCh38, 1-based): chr10:27,017,645, C>G on the plus strand (G>C on the coding strand, the complement: ANKRD26 is on the minus strand). VCF-style: chr10-27017645-C-G. GRCh37 (hg19) VCF-style: chr10-27306574-C-G.
Other names: c.4360G>C, p.Glu1454Gln (NM_001256053.2); short protein forms E1455Q, E1454Q.
Identifiers: ClinVar variation 3871793 (VCV003871793.1).
Genomic context (GRCh38, chr10:27,017,645, plus strand): 5'-CTTGACCAAGTTCTACCATATTCCTTTCTATATGACTTCTCAGGTTGATCACTTCTTGTT[C>G]CAACTTCTTTTTATTCTTCTGTAGTTTTTCACATTTCTTTTGTACTGTTTTCATAGATAA-3'
Protein context (NP_055730.2, residues 1445-1465): EKLQKNKKKL[Glu1455Gln]QEVINLRSHI

ClinVar aggregate classification (germline): Uncertain significance (1 of 4 stars; one submission).

Conditions:
Inborn genetic diseases. Identifiers: MedGen C0950123, MeSH D030342.

Submission:

Ambry Genetics
Classification: Uncertain significance for Inborn genetic diseases. Last evaluated: 2025-02-26. Review status: criteria provided, single submitter. Criteria: Ambry Variant Classification Scheme 2023. Collection method: clinical testing. Allele origin: germline.
Comment: The p.E1455Q variant (also known as c.4363G>C), located in coding exon 30 of the ANKRD26 gene, results from a G to C substitution at nucleotide position 4363. The glutamic acid at codon 1455 is replaced by glutamine, an amino acid with highly similar properties. This amino acid position is conserved. In addition, this alteration is predicted to be tolerated by in silico analysis. Based on the available evidence, the clinical significance of this variant remains unclear.